The following is an entry in ClinVar:

ClinVar aggregate classification (germline): Uncertain significance. Review status: criteria provided, multiple submitters, no conflicts (2 of 4 stars). 2 submissions from 2 submitters: Uncertain significance (2). Last evaluated 2024-12-07.

gnomAD v4.1: 8 of 1,013,498 alleles (0.00079%); highest among the groups gnomAD compares: African/African-American, 0.0018%; no homozygotes.

Submissions (2):

Labcorp Genetics (formerly Invitae), Labcorp
Classification: Uncertain significance. Last evaluated: 2024-12-07. Review status: criteria provided, single submitter. Criteria: Invitae Variant Classification Sherloc (09022015). Collection method: clinical testing. Allele origin: germline.
Comment: This sequence change replaces proline, which is neutral and non-polar, with leucine, which is neutral and non-polar, at codon 291 of the SMARCA2 protein (p.Pro291Leu). The frequency data for this variant in the population databases is considered unreliable, as metrics indicate insufficient coverage at this position in the gnomAD database. This missense change has been observed in individual(s) with clinical features of SMARCA2-related conditions (PMID: 37500730). Invitae Evidence Modeling of protein sequence and biophysical properties (such as structural, functional, and spatial information, amino acid conservation, physicochemical variation, residue mobility, and thermodynamic stability) indicates that this missense variant is not expected to disrupt SMARCA2 protein function with a negative predictive value of 80%. In summary, the available evidence is currently insufficient to determine the role of this variant in disease. Therefore, it has been classified as a Variant of Uncertain Significance.

Blueprint Genetics
Classification: Uncertain significance. Last evaluated: 2024-02-22. Review status: criteria provided, single submitter. Criteria: ACMG Guidelines, 2015. Collection method: clinical testing. Allele origin: germline.

Literature cited by the submitters: PubMed 37500730 (cited by Labcorp Genetics (formerly Invitae), Labcorp).

NM_003070.5(SMARCA2):c.872C>T (p.Pro291Leu)

Gene: SMARCA2 (SWI/SNF related BAF chromatin remodeling complex subunit ATPase 2; plus strand). Cytogenetic location: 9p24.3.
Variant type: single nucleotide variant.
Coding change: c.872C>T on transcript NM_003070.5 (MANE Select); coding-DNA position 872, C replaced by T.
Protein change: p.Pro291Leu; replaces proline 291 with leucine.
Molecular consequence: missense variant.
Genome position (GRCh38, 1-based): chr9:2,047,310, C>T. VCF-style: chr9-2047310-C-T. GRCh37 (hg19) VCF-style: chr9-2047310-C-T.
Other names: c.872C>T, p.Pro291Leu (NM_001289396.2, NM_001289397.2, NM_139045.4); short protein forms P291L.
Identifiers: ClinVar variation 3699866 (VCV003699866.3).
Genomic context (GRCh38, chr9:2,047,310, plus strand): 5'-GCCCGAGCACCCCGCAGAAGCTGCCGGTGCCCGCGCCCGGCGGCCGGCCCTCGCCCGCGC[C>T]CCCCGCAGCCGCGCAGCCGCCCGCGGCCGCAGTGCCCGGGCCCTCAGTGCCGCAGCCGGC-3'
Protein context (NP_003061.3, residues 281-301): PAPGGRPSPA[Pro291Leu]PAAAQPPAAA